The following is an entry in ClinVar:

NM_000046.5(ARSB):c.464G>A (p.Cys155Tyr)

Gene: ARSB (arylsulfatase B; minus strand). Cytogenetic location: 5q14.1.
Variant type: single nucleotide variant.
Coding change: c.464G>A on transcript NM_000046.5 (MANE Select); coding-DNA position 464, G replaced by A.
Protein change: p.Cys155Tyr; replaces cysteine 155 with tyrosine.
Molecular consequence: missense variant.
Genome position (GRCh38, 1-based): chr5:78,969,041, C>T on the plus strand (G>A on the coding strand, the complement: ARSB is on the minus strand). VCF-style: chr5-78969041-C-T. GRCh37 (hg19) VCF-style: chr5-78264864-C-T.
Other names: c.464G>A, p.Cys155Tyr (NM_198709.3); short protein forms C155Y.
Identifiers: ClinVar variation 559789 (VCV000559789.1), dbSNP rs1554088019, ClinGen allele CA360193938.

ClinVar aggregate classification (germline): Uncertain significance (1 of 4 stars; one submission).

Conditions:
Mucopolysaccharidosis type 6 (MPS6). Also called: N-ACETYLGALACTOSAMINE-4-SULFATASE DEFICIENCY; MPS VI; MPS 6; Maroteaux Lamy syndrome; ARSB DEFICIENCY; ARYLSULFATASE B DEFICIENCY. Identifiers: Orphanet 583, MedGen C0026709, MONDO:0009661, OMIM 253200.

Submission:

Laboratory of Diagnosis and Therapy of Lysosomal Disorders, University of Padova
Classification: Uncertain significance for Mucopolysaccharidosis type 6. Last evaluated: 2018-01-01. Review status: criteria provided, single submitter. Criteria: ACMG Guidelines, 2015. Collection method: curation. Allele origin: germline. Affected: yes.
Comment: Absent from GnomAD (PM2)

Literature cited by the submitters: PubMed 27797586; PubMed 30118150.